The following is an entry in ClinVar:

NM_014339.7(IL17RA):c.2317A>G (p.Met773Val)

Gene: IL17RA (interleukin 17 receptor A; plus strand). Cytogenetic location: 22q11.1.
Variant type: single nucleotide variant.
Coding change: c.2317A>G on transcript NM_014339.7 (MANE Select); coding-DNA position 2317, A replaced by G.
Protein change: p.Met773Val; replaces methionine 773 with valine.
Molecular consequence: missense variant.
Genome position (GRCh38, 1-based): chr22:17,109,536, A>G. VCF-style: chr22-17109536-A-G. GRCh37 (hg19) VCF-style: chr22-17590426-A-G.
Other names: c.2317A>G (NM_014339.5); c.2215A>G, p.Met739Val (NM_001289905.2); short protein forms M773V, M739V.
Identifiers: ClinVar variation 944994 (VCV000944994.10), dbSNP rs776536038, ClinGen allele CA321153373.

ClinVar aggregate classification (germline): Conflicting classifications of pathogenicity. Review status: criteria provided, conflicting classifications (1 of 4 stars). 3 submissions from 3 submitters: Uncertain significance (1); Likely benign (2). Last evaluated 2025-05-16.

Conditions:
Immunodeficiency 51 (IMD51). Also called: CANDIDIASIS, FAMILIAL, 5. Identifiers: Orphanet 1334, MedGen C4310803, MONDO:0013500, OMIM 613953.

Allele frequency attached by ClinVar (database versions not stated): gnomAD 0.00001; gnomAD exomes 0.00001 and 0.00004; TOPMed 0.00001.
gnomAD v4.1: 63 of 1,599,278 alleles (0.0039%); highest among the groups gnomAD compares: Non-Finnish European, 0.0053%; no homozygotes.

Submissions (3):

Ambry Genetics
Classification: Likely benign. Last evaluated: 2025-05-16. Review status: criteria provided, single submitter. Criteria: Ambry Variant Classification Scheme 2023. Collection method: clinical testing. Allele origin: germline.

Blueprint Genetics
Classification: Likely benign. Last evaluated: 2024-11-23. Review status: criteria provided, single submitter. Criteria: ACMG Guidelines, 2015. Collection method: clinical testing. Allele origin: germline.

Labcorp Genetics (formerly Invitae), Labcorp
Classification: Uncertain significance for Immunodeficiency 51. Last evaluated: 2020-02-11. Review status: criteria provided, single submitter. Criteria: Invitae Variant Classification Sherloc (09022015). Collection method: clinical testing. Allele origin: germline.
Comment: This sequence change replaces methionine with valine at codon 773 of the IL17RA protein (p.Met773Val). The methionine residue is weakly conserved and there is a small physicochemical difference between methionine and valine. This variant is not present in population databases (ExAC no frequency). This variant has not been reported in the literature in individuals with IL17RA-related conditions. Algorithms developed to predict the effect of missense changes on protein structure and function output the following: SIFT: "Tolerated"; PolyPhen-2: "Benign"; Align-GVGD: "Class C0". The valine amino acid residue is found in multiple mammalian species, suggesting that this missense change does not adversely affect protein function. These predictions have not been confirmed by published functional studies and their clinical significance is uncertain. In summary, the available evidence is currently insufficient to determine the role of this variant in disease. Therefore, it has been classified as a Variant of Uncertain Significance.